The following is an entry in ClinVar:

ClinVar aggregate classification (germline): Uncertain significance (1 of 4 stars; one submission).

Submission:

GeneDx
Classification: Uncertain significance. Last evaluated: 2024-09-07. Review status: criteria provided, single submitter. Criteria: GeneDx Variant Classification Process June 2021. Collection method: clinical testing. Allele origin: germline. Affected: yes.
Comment: In-frame duplication of 2 amino acid(s) in a non-repeat region; Not observed at significant frequency in large population cohorts (gnomAD); Has not been previously published as pathogenic or benign to our knowledge

NM_004789.4(LHX2):c.808_813dup (p.Thr271_Ser272insArgThr)

Gene: LHX2 (LIM homeobox 2; plus strand). Cytogenetic location: 9q33.3.
Variant type: Duplication.
Coding change: c.808_813dup on transcript NM_004789.4 (MANE Select); coding-DNA positions 808 to 813, 6 bases duplicated (CGCACG; older notation c.808_813dupCGCACG).
Protein change: p.Thr271_Ser272insArgThr.
Genome position (GRCh38, 1-based): chr9:124,021,179-124,021,184, CGCACG duplicated; duplicating any 6 consecutive bases within chr9:124,021,178-124,021,184 gives the same sequence; the c. name uses the placement nearest the transcript's 3' end. VCF-style (leftmost placement, unchanged base first): chr9-124021177-T-TGCGCAC. GRCh37 (hg19) VCF-style: chr9-126783456-T-TGCGCAC.
Identifiers: ClinVar variation 3767409 (VCV003767409.1).